The following is an entry in ClinVar:

ClinVar aggregate classification (germline): Uncertain significance (1 of 4 stars; one submission).

Submission:

GeneDx
Classification: Uncertain significance. Last evaluated: 2017-02-16. Review status: criteria provided, single submitter. Criteria: GeneDx Variant Classification (06012015). Collection method: clinical testing. Allele origin: germline. Affected: yes.
Comment: The c.5395delA variant causes a frameshift starting with codon Serine 1799, changes this amino acid to a Valine residue and creates a premature Stop codon at position 21 of the new reading frame, denoted p.Ser1799ValfsX21. This variant is predicted to cause loss of normal protein function either through protein truncation or nonsense-mediated mRNA decay. The c.5395delA variant is not observed at a significant frequency in large population cohorts (Lek et al., 2016; 1000 Genomes Consortium et al., 2015; Exome Variant Server). However, the c.5395delA variant is not located in the A-band nor the M-line region of titin, where the majority of pathogenic truncating variants have been reported.

NM_001267550.2(TTN):c.5395del (p.Ser1799fs)

Gene: TTN (titin; minus strand). Cytogenetic location: 2q31.2.
Variant type: Deletion.
Coding change: c.5395del on transcript NM_001267550.2 (MANE Select); coding-DNA position 5395, one base deleted (A; older notation c.5395delA).
Protein change: p.Ser1799fs; shifts the reading frame from serine 1799.
Molecular consequence: frameshift variant.
Genome position (GRCh38, 1-based): chr2:178,776,469, T deleted on the plus strand (A on the coding strand, the reverse complement: TTN is on the minus strand); the first of 4 consecutive T bases (chr2:178,776,469-178,776,472); deleting any one gives the same sequence. VCF-style (leftmost placement, unchanged base first): chr2-178776468-CT-C. GRCh37 (hg19) VCF-style: chr2-179641195-CT-C.
Other names: c.5395del, p.Ser1799fs (NM_001256850.1, NM_133378.4, NM_133379.5); c.5257del, p.Ser1753fs (NM_003319.4, NM_133432.3, NM_133437.4); c.5395delA (NM_001256850.1); short protein forms S1753fs, S1799fs.
Identifiers: ClinVar variation 423529 (VCV000423529.2), dbSNP rs1064796474, ClinGen allele CA16617385.